The following is an entry in ClinVar:

ClinVar aggregate classification (germline): Uncertain significance (1 of 4 stars; one submission).

Submission:

Labcorp Genetics (formerly Invitae), Labcorp
Classification: Uncertain significance. Last evaluated: 2025-07-13. Review status: criteria provided, single submitter. Criteria: Invitae Variant Classification Sherloc (09022015). Collection method: clinical testing. Allele origin: germline.
Comment: This sequence change replaces glycine, which is neutral and non-polar, with glutamic acid, which is acidic and polar, at codon 724 of the COL4A3 protein (p.Gly724Glu). This variant is not present in population databases (gnomAD no frequency). This variant has not been reported in the literature in individuals affected with COL4A3-related conditions. Invitae Evidence Modeling of protein sequence and biophysical properties (such as structural, functional, and spatial information, amino acid conservation, physicochemical variation, residue mobility, and thermodynamic stability) indicates that this missense variant is expected to disrupt COL4A3 protein function with a positive predictive value of 80%. In summary, the available evidence is currently insufficient to determine the role of this variant in disease. Therefore, it has been classified as a Variant of Uncertain Significance.

NM_000091.5(COL4A3):c.2171G>A (p.Gly724Glu)

Genes: COL4A3 (collagen type IV alpha 3 chain; plus strand), MFF-DT (MFF divergent transcript; minus strand). Cytogenetic location: 2q36.3.
Variant type: single nucleotide variant.
Coding change: c.2171G>A on transcript NM_000091.5 (MANE Select); coding-DNA position 2171, G replaced by A.
Protein change: p.Gly724Glu; replaces glycine 724 with glutamic acid.
Molecular consequence: missense variant.
Genome position (GRCh38, 1-based): chr2:227,279,838, G>A. VCF-style: chr2-227279838-G-A. GRCh37 (hg19) VCF-style: chr2-228144554-G-A.
Other names: short protein forms G724E.
Identifiers: ClinVar variation 4807446 (VCV004807446.1).